The following is an entry in ClinVar:

NM_145290.4(ADGRA3):c.3463G>A (p.Val1155Met)

Gene: ADGRA3 (adhesion G protein-coupled receptor A3; minus strand). Cytogenetic location: 4p15.2.
Variant type: single nucleotide variant.
Coding change: c.3463G>A on transcript NM_145290.4 (MANE Select); coding-DNA position 3463, G replaced by A.
Protein change: p.Val1155Met; replaces valine 1155 with methionine.
Molecular consequence: missense variant.
Genome position (GRCh38, 1-based): chr4:22,388,208, C>T on the plus strand (G>A on the coding strand, the complement: ADGRA3 is on the minus strand). VCF-style: chr4-22388208-C-T. GRCh37 (hg19) VCF-style: chr4-22389831-C-T.
Other names: short protein forms V1155M.
Identifiers: ClinVar variation 1945059 (VCV001945059.5), dbSNP rs763279377, ClinGen allele CA2873362.

ClinVar aggregate classification (germline): Uncertain significance (1 of 4 stars; one submission).

Allele frequency attached by ClinVar (database versions not stated): TOPMed below 0.00001; ExAC 0.00002; gnomAD 0.00002.
gnomAD v4.1: 9 of 1,614,068 alleles (0.00056%); highest among the groups gnomAD compares: Admixed American, 0.0067%; no homozygotes.

Submission:

Labcorp Genetics (formerly Invitae), Labcorp
Classification: Uncertain significance. Last evaluated: 2025-11-28. Review status: criteria provided, single submitter. Criteria: Invitae Variant Classification Sherloc (09022015). Collection method: clinical testing. Allele origin: germline.
Comment: This sequence change replaces valine, which is neutral and non-polar, with methionine, which is neutral and non-polar, at codon 1155 of the ADGRA3 protein (p.Val1155Met). This variant is present in population databases (rs763279377, gnomAD 0.009%). This variant has not been reported in the literature in individuals affected with ADGRA3-related conditions. ClinVar contains an entry for this variant (Variation ID: 1945059). An algorithm developed to predict the effect of missense changes on protein structure and function (PolyPhen-2) suggests that this variant is likely to be disruptive. In summary, the available evidence is currently insufficient to determine the role of this variant in disease. Therefore, it has been classified as a Variant of Uncertain Significance.